The following is an entry in ClinVar:

ClinVar aggregate classification (germline): Uncertain significance. Review status: criteria provided, multiple submitters, no conflicts (2 of 4 stars). 5 submissions from 4 submitters: Uncertain significance (5). Last evaluated 2023-08-01.

Conditions:
Emery-Dreifuss muscular dystrophy 4, autosomal dominant (EDMD4). Also called: EMERY-DREIFUSS MUSCULAR DYSTROPHY 4 WITH VARIABLE FEATURES. Identifiers: Orphanet 261, MedGen C2751807, MONDO:0013071, OMIM 612998.
Autosomal recessive ataxia, Beauce type. Also called: SYNE1 Deficiency; ATAXIA, RECESSIVE, OF BEAUCE; SYNE1-Related Autosomal Recessive Cerebellar Ataxia; Spinocerebellar ataxia, autosomal recessive 8. Identifiers: Orphanet 88644, MedGen C1853116, MONDO:0012549, OMIM 610743.

Allele frequency attached by ClinVar (database versions not stated): ExAC 0.00001; gnomAD exomes 0.00002 and 0.00007; gnomAD 0.00005 and 0.00006; TOPMed 0.00005; ESP Exome Variant Server 0.00015.
gnomAD v4.1: 108 of 1,613,968 alleles (0.0067%); highest among the groups gnomAD compares: Non-Finnish European, 0.0085%; no homozygotes.

Submissions (5):

CeGaT Center for Human Genetics Tuebingen
Classification: Uncertain significance. Last evaluated: 2023-08-01. Review status: criteria provided, single submitter. Criteria: CeGaT Center For Human Genetics Tuebingen Variant Classification Criteria Version 2. Collection method: clinical testing. Allele origin: germline. Affected: yes. Observed: 2 variant alleles.
Comment: SYNE1: PM2, BP4

Mayo Clinic Laboratories, Mayo Clinic
Classification: Uncertain significance. Last evaluated: 2023-05-12. Review status: criteria provided, single submitter. Criteria: ACMG Guidelines, 2015. Collection method: clinical testing. Allele origin: germline. Observed: 1 variant allele.
Comment: BP4

Labcorp Genetics (formerly Invitae), Labcorp
Classification: Uncertain significance for Emery-Dreifuss muscular dystrophy 4, autosomal dominant; Autosomal recessive ataxia, Beauce type. Last evaluated: 2021-12-17. Review status: criteria provided, single submitter. Criteria: Invitae Variant Classification Sherloc (09022015). Collection method: clinical testing. Allele origin: germline.
Comment: This sequence change replaces threonine, which is neutral and polar, with alanine, which is neutral and non-polar, at codon 1152 of the SYNE1 protein (p.Thr1152Ala). This variant is present in population databases (rs148733093, gnomAD 0.006%). This variant has not been reported in the literature in individuals affected with SYNE1-related conditions. ClinVar contains an entry for this variant (Variation ID: 355931). Algorithms developed to predict the effect of missense changes on protein structure and function output the following: SIFT: "Tolerated"; PolyPhen-2: "Benign"; Align-GVGD: "Class C0". The alanine amino acid residue is found in multiple mammalian species, which suggests that this missense change does not adversely affect protein function. In summary, the available evidence is currently insufficient to determine the role of this variant in disease. Therefore, it has been classified as a Variant of Uncertain Significance.

Illumina Laboratory Services, Illumina
Classification: Uncertain significance for Emery-Dreifuss muscular dystrophy 4, autosomal dominant. Last evaluated: 2018-01-13. Review status: criteria provided, single submitter. Criteria: ICSL Variant Classification Criteria 13 December 2019. Collection method: clinical testing. Allele origin: germline.

Illumina Laboratory Services, Illumina
Classification: Uncertain significance for Autosomal recessive ataxia, Beauce type. Last evaluated: 2018-01-13. Review status: criteria provided, single submitter. Criteria: ICSL Variant Classification Criteria 13 December 2019. Collection method: clinical testing. Allele origin: germline.

NM_182961.4(SYNE1):c.3433A>G (p.Thr1145Ala)

Gene: SYNE1 (spectrin repeat containing nuclear envelope protein 1; minus strand). Cytogenetic location: 6q25.2.
Variant type: single nucleotide variant.
Coding change: c.3433A>G on transcript NM_182961.4 (MANE Select); coding-DNA position 3433, A replaced by G.
Protein change: p.Thr1145Ala; replaces threonine 1145 with alanine.
Molecular consequence: missense variant.
Genome position (GRCh38, 1-based): chr6:152,449,604, T>C on the plus strand (A>G on the coding strand, the complement: SYNE1 is on the minus strand). VCF-style: chr6-152449604-T-C. GRCh37 (hg19) VCF-style: chr6-152770739-T-C.
Other names: p.Thr1152Ala; c.3454A>G, p.Thr1152Ala (NM_033071.5); short protein forms T1145A, T1152A.
Identifiers: ClinVar variation 355931 (VCV000355931.40), dbSNP rs148733093, ClinGen allele CA4058844.